The following is an entry in ClinVar:

ClinVar aggregate classification (germline): Benign (1 of 4 stars; one submission).

Conditions:
Breast-ovarian cancer, familial, susceptibility to, 3. Also called: RAD51C-Related Breast/Ovarian Cancer. Identifiers: Orphanet 145, MedGen C3150659, MONDO:0013253, OMIM 613399.

Submission:

Myriad Genetics, Inc.
Classification: Benign for Breast-ovarian cancer, familial, susceptibility to, 3. Last evaluated: 2025-02-18. Review status: criteria provided, single submitter. Criteria: Myriad Autosomal Dominant, Autosomal Recessive and X-Linked Classification Criteria (2023). Collection method: clinical testing. Allele origin: unknown.
Comment: This variant is considered benign. This variant is a silent/synonymous amino acid change and it is not expected to impact splicing.

NM_058216.3(RAD51C):c.582A>G (p.Lys194=)

Gene: RAD51C (RAD51 paralog C; plus strand). Cytogenetic location: 17q22.
Variant type: single nucleotide variant.
Coding change: c.582A>G on transcript NM_058216.3 (MANE Select); coding-DNA position 582, A replaced by G.
Protein change: p.Lys194=; no amino-acid change (lysine 194 retained).
Molecular consequence: synonymous variant. On other transcripts: non-coding transcript variant (1).
Genome position (GRCh38, 1-based): chr17:58,703,206, A>G. VCF-style: chr17-58703206-A-G. GRCh37 (hg19) VCF-style: chr17-56780567-A-G.
Identifiers: ClinVar variation 3904521 (VCV003904521.1).